The following is an entry in ClinVar:

NM_014956.5(CEP164):c.4163+5G>A

Gene: CEP164 (centrosomal protein 164; plus strand). Cytogenetic location: 11q23.3.
Variant type: single nucleotide variant.
Coding change: c.4163+5G>A on transcript NM_014956.5 (MANE Select); 5 bases into the intron after coding-DNA position 4163, G replaced by A.
Molecular consequence: intron variant.
Genome position (GRCh38, 1-based): chr11:117,410,899, G>A. VCF-style: chr11-117410899-G-A. GRCh37 (hg19) VCF-style: chr11-117281615-G-A.
Other names: c.4148+5G>A (NM_001271933.2); c.3980+5G>A (NM_001440972.1); c.4169+5G>A (NM_001440949.1); c.4001+5G>A (NM_001440967.1); c.4076+5G>A (NM_001440956.1); c.4163+5G>A (NM_001440950.1, NM_001440951.1); c.4139+5G>A (NM_001440953.1); c.4016+5G>A (NM_001440962.1, NM_001440963.1); and 21 more.
Identifiers: ClinVar variation 4996335 (VCV004996335.1).

ClinVar aggregate classification (germline): Uncertain significance (1 of 4 stars; one submission).

Conditions:
CEP164-related disorder. Also called: CEP164-related condition.

gnomAD v4.1: 3 of 1,612,256 alleles (0.00019%); highest among the groups gnomAD compares: South Asian, 0.0011%; no homozygotes.

Submission:

PreventionGenetics, part of Exact Sciences
Classification: Uncertain significance for CEP164-related condition. Last evaluated: 2025-09-24. Review status: criteria provided, single submitter. Criteria: ACMG Guidelines, 2015. Collection method: clinical testing. Allele origin: germline.
Comment: The CEP164 c.4163+5G>A variant is predicted to interfere with splicing. This variant is predicted to alter splicing based on one available splicing algorithm (SpliceAI, Jaganathan et al. 2019. PubMed ID: 30661751). To our knowledge, this variant has not been reported in the literature. This variant is reported in 0.0034% of alleles in individuals of South Asian descent in gnomAD. At this time, the clinical significance of this variant is uncertain due to the absence of conclusive functional and genetic evidence.